The following is an entry in ClinVar:

NM_004168.4(SDHA):c.1016C>G (p.Ser339Cys)

Gene: SDHA (succinate dehydrogenase complex flavoprotein subunit A; plus strand). Cytogenetic location: 5p15.33.
Variant type: single nucleotide variant.
Coding change: c.1016C>G on transcript NM_004168.4 (MANE Select); coding-DNA position 1016, C replaced by G.
Protein change: p.Ser339Cys; replaces serine 339 with cysteine.
Molecular consequence: missense variant.
Genome position (GRCh38, 1-based): chr5:233,597, C>G. VCF-style: chr5-233597-C-G. GRCh37 (hg19) VCF-style: chr5-233712-C-G.
Other names: c.872C>G, p.Ser291Cys (NM_001294332.2); c.1016C>G, p.Ser339Cys (NM_001330758.2); short protein forms S291C, S339C.
Identifiers: ClinVar variation 1025963 (VCV001025963.11), dbSNP rs1553999043, ClinGen allele CA359012876.

ClinVar aggregate classification (germline): Uncertain significance. Review status: criteria provided, multiple submitters, no conflicts (2 of 4 stars). 2 submissions from 2 submitters: Uncertain significance (2). Last evaluated 2024-02-22.

Conditions:
Mitochondrial complex II deficiency, nuclear type 1. Also called: SUCCINATE CoQ REDUCTASE DEFICIENCY. Identifiers: Orphanet 3208, MedGen C5700310, MONDO:0100294, OMIM 252011.
Pheochromocytoma/paraganglioma syndrome 5. Also called: Paragangliomas 5; SDHA-Related Hereditary Paraganglioma-Pheochromocytoma Syndrome. Identifiers: Orphanet 29072, MedGen C3279992, MONDO:0013602, OMIM 614165.
Hereditary cancer-predisposing syndrome. Also called: Tumor predisposition; Hereditary neoplastic syndrome; Neoplastic Syndromes, Hereditary; Hereditary Cancer Syndrome. Identifiers: Orphanet 140162, MedGen C0027672, MeSH D009386, MONDO:0015356.

Allele frequency attached by ClinVar (database versions not stated): gnomAD exomes below 0.00001.
gnomAD v4.1: 1 of 1,614,134 alleles (0.000062%); highest among the groups gnomAD compares: Non-Finnish European, 0.000085%; no homozygotes.

Submissions (2):

Ambry Genetics
Classification: Uncertain significance for Hereditary cancer-predisposing syndrome. Last evaluated: 2024-02-22. Review status: criteria provided, single submitter. Criteria: Ambry Variant Classification Scheme 2023. Collection method: clinical testing. Allele origin: germline.
Comment: The p.S339C variant (also known as c.1016C>G), located in coding exon 8 of the SDHA gene, results from a C to G substitution at nucleotide position 1016. The serine at codon 339 is replaced by cysteine, an amino acid with dissimilar properties. This amino acid position is highly conserved in available vertebrate species. In addition, this alteration is predicted to be deleterious by in silico analysis. Since supporting evidence is limited at this time, the clinical significance of this alteration remains unclear.

Labcorp Genetics (formerly Invitae), Labcorp
Classification: Uncertain significance for Pheochromocytoma/paraganglioma syndrome 5; Mitochondrial complex II deficiency, nuclear type 1. Last evaluated: 2020-03-04. Review status: criteria provided, single submitter. Criteria: Invitae Variant Classification Sherloc (09022015). Collection method: clinical testing. Allele origin: germline.
Comment: This sequence change replaces serine with cysteine at codon 339 of the SDHA protein (p.Ser339Cys). The serine residue is highly conserved and there is a moderate physicochemical difference between serine and cysteine. This variant is not present in population databases (ExAC no frequency). This variant has not been reported in the literature in individuals with SDHA-related conditions. Algorithms developed to predict the effect of missense changes on protein structure and function are either unavailable or do not agree on the potential impact of this missense change (SIFT: "Tolerated"; PolyPhen-2: "Probably Damaging"; Align-GVGD: "Class C0"). In summary, the available evidence is currently insufficient to determine the role of this variant in disease. Therefore, it has been classified as a Variant of Uncertain Significance.